The following is an entry in ClinVar:

NC_000001.11:g.215741537_215741540del

Gene: USH2A (usherin; minus strand). Cytogenetic location: 1q41.
Variant type: Deletion.
Genome position: GRCh38 VCF-style: chr1-215741533-ACTTC-A. GRCh37 (hg19) VCF-style: chr1-215914875-ACTTC-A.
Other names: NM_206933.4:c.11549_11552del.
Identifiers: ClinVar variation 4070935 (VCV004070935.1).

ClinVar aggregate classification (germline): Likely pathogenic (1 of 4 stars; one submission).

Conditions:
Usher syndrome type 2. Also called: Usher Syndrome Type II. Identifiers: Orphanet 231178, MedGen C0339534, MONDO:0016484.

Submission:

Broad Center for Mendelian Genomics, Broad Institute of MIT and Harvard
Classification: Likely pathogenic for Usher syndrome type 2. Last evaluated: 2025-06-23. Review status: criteria provided, single submitter. Criteria: ACMG Guidelines, 2015. Collection method: curation. Allele origin: germline. Inheritance: Autosomal recessive inheritance. Study: GREGoR Consortium.
Comment: Trio genome analysis revealed that this variant was in trans with the VUS. The variant in USH2A has not been previously reported in the literature in individuals with Usher syndrome Type 2, and was absent from large population studies. This variant is located in the 3' splicing region. Computational tools predict a splicing impact, though this information is not predictive enough to determine/rule out pathogenicity. SpliceAI predictions indicate use of an out-of-frame cryptic splice site 4 bases from the intron-exon boundary, providing evidence that this variant may cause a frameshift and lead to a premature termination codon downstream. This alteration is then predicted to lead to a truncated or absent protein. However, this information is not predictive enough to determine pathogenicity. Loss of function of the USH2A gene is an established disease mechanism in autosomal recessive Usher syndrome type 2. In summary, although additional studies are required to fully establish its clinical significance, this variant is likely pathogenic for autosomal recessive Usher syndrome type 2. ACMG/AMP Criteria applied: PVS1, PM2_supporting (Richards 2015).